The following is an entry in ClinVar:

ClinVar aggregate classification (germline): Uncertain significance (1 of 4 stars; one submission).

Submission:

Women's Health and Genetics/Laboratory Corporation of America, LabCorp
Classification: Uncertain significance. Last evaluated: 2024-07-23. Review status: criteria provided, single submitter. Criteria: LabCorp Variant Classification Summary - May 2015. Collection method: clinical testing. Allele origin: germline.
Comment: Variant summary: CFTR c.1646G>C (p.Ser549Thr) results in a conservative amino acid change located in the ABC transporter-like, ATP-binding domain (IPR003439) of the encoded protein sequence. Three of five in-silico tools predict a damaging effect of the variant on protein function. The variant was absent in 250912 control chromosomes. The available data on variant occurrences in the general population are insufficient to allow any conclusion about variant significance. To our knowledge, no occurrence of c.1646G>C in individuals affected with Cystic Fibrosis and no experimental evidence demonstrating its impact on protein function have been reported. No submitters have cited clinical-significance assessments for this variant to ClinVar. Based on the evidence outlined above, the variant was classified as uncertain significance.

NM_000492.4(CFTR):c.1646G>C (p.Ser549Thr)

Genes: CFTR (CF transmembrane conductance regulator; plus strand), LOC111674475 (CFTR intron 11 enhancer; plus strand). Cytogenetic location: 7q31.2.
Variant type: single nucleotide variant.
Coding change: c.1646G>C on transcript NM_000492.4 (MANE Select); coding-DNA position 1646, G replaced by C.
Protein change: p.Ser549Thr; replaces serine 549 with threonine.
Molecular consequence: missense variant.
Genome position (GRCh38, 1-based): chr7:117,587,800, G>C. VCF-style: chr7-117587800-G-C. GRCh37 (hg19) VCF-style: chr7-117227854-G-C.
Other names: short protein forms S549T.
Identifiers: ClinVar variation 3339392 (VCV003339392.1).